The following is an entry in ClinVar:

ClinVar aggregate classification (germline): Benign. Review status: criteria provided, multiple submitters, no conflicts (2 of 4 stars). 4 submissions from 4 submitters: Benign (3). 1 of the submissions does not count toward it. Last evaluated 2018-06-14.

Allele frequency attached by ClinVar (database versions not stated): gnomAD exomes 0.14079; ExAC 0.14578; ESP Exome Variant Server 0.15101; gnomAD 0.15819 and 0.15903; TOPMed 0.16561; 1000 Genomes Project 0.17113; 1000 Genomes Project 30x 0.17676.
gnomAD v4.1: 202,156 of 1,609,982 alleles (13%); highest among the groups gnomAD compares: African/African-American, 25%; 14,372 homozygotes.

Submissions (4):

GeneDx
Classification: Benign. Last evaluated: 2018-06-14. Review status: criteria provided, single submitter. Criteria: GeneDx Variant Classification (06012015). Collection method: clinical testing. Allele origin: germline. Affected: yes.
Comment: This variant is considered likely benign or benign based on one or more of the following criteria: it is a conservative change, it occurs at a poorly conserved position in the protein, it is predicted to be benign by multiple in silico algorithms, and/or has population frequency not consistent with disease.

PreventionGenetics, part of Exact Sciences
Classification: Benign. Last evaluated: 2013-10-28. Review status: criteria provided, single submitter. Criteria: ACMG Guidelines, 2015. Collection method: clinical testing. Allele origin: germline.

Breakthrough Genomics
Classification: Benign. Review status: criteria provided, single submitter. Criteria: ACMG Guidelines, 2015. Collection method: not provided. Allele origin: germline. Inheritance: Autosomal recessive inheritance. Affected: yes.

RYR1 database
No classification provided. Review status: no classification provided. Collection method: not provided. Allele origin: unknown. Not counted in ClinVar's aggregate classification.

NM_000540.3(RYR1):c.9173-21C>T

Gene: RYR1 (ryanodine receptor 1; plus strand). Cytogenetic location: 19q13.2.
Variant type: single nucleotide variant.
Coding change: c.9173-21C>T on transcript NM_000540.3 (MANE Select); 21 bases into the intron before coding-DNA position 9173, C replaced by T.
Molecular consequence: intron variant.
Genome position (GRCh38, 1-based): chr19:38,512,051, C>T. VCF-style: chr19-38512051-C-T. GRCh37 (hg19) VCF-style: chr19-39002691-C-T.
Other names: c.9173-21C>T (NM_001042723.2).
Identifiers: ClinVar variation 133238 (VCV000133238.4), dbSNP rs2960338, ClinGen allele CA024965.